The following is an entry in ClinVar:

NM_002945.5(RPA1):c.1123G>A (p.Val375Met)

Gene: RPA1 (replication protein A1; plus strand). Cytogenetic location: 17p13.3.
Variant type: single nucleotide variant.
Coding change: c.1123G>A on transcript NM_002945.5 (MANE Select); coding-DNA position 1123, G replaced by A.
Protein change: p.Val375Met; replaces valine 375 with methionine.
Molecular consequence: missense variant.
Genome position (GRCh38, 1-based): chr17:1,880,573, G>A. VCF-style: chr17-1880573-G-A. GRCh37 (hg19) VCF-style: chr17-1783867-G-A.
Other names: c.1084G>A, p.Val362Met (NM_001355120.2); c.1123G>A, p.Val375Met (NM_001355121.2); short protein forms V362M, V375M.
Identifiers: ClinVar variation 4979404 (VCV004979404.1).

ClinVar aggregate classification (germline): Uncertain significance (1 of 4 stars; one submission).

Conditions:
RPA1-related disorder. Also called: RPA1-related condition.

gnomAD v4.1: 84 of 1,613,898 alleles (0.0052%); highest among the groups gnomAD compares: Non-Finnish European, 0.0066%; no homozygotes.

Submission:

PreventionGenetics, part of Exact Sciences
Classification: Uncertain significance for RPA1-related condition. Last evaluated: 2025-04-28. Review status: criteria provided, single submitter. Criteria: ACMG Guidelines, 2015. Collection method: clinical testing. Allele origin: germline.
Comment: The RPA1 c.1123G>A variant is predicted to result in the amino acid substitution p.Val375Met. This variant has been reported in the heterozygous state in a pediatric patient with Hodgkin's lymphoma (Table 1, Sharma et al. 2023. PubMed ID: 37869077). This variant is reported in 0.0044% of alleles in individuals of European (Non-Finnish) descent in gnomAD. At this time, the clinical significance of this variant is uncertain due to the absence of conclusive functional and genetic evidence.